The following is an entry in ClinVar:

NM_182925.5(FLT4):c.2414A>C (p.His805Pro)

Genes: FLT4 (fms related receptor tyrosine kinase 4; minus strand), LOC126807632 (CDK7 strongly-dependent group 2 enhancer GRCh37_chr5:180046831-180048030; plus strand). Cytogenetic location: 5q35.3.
Variant type: single nucleotide variant.
Coding change: c.2414A>C on transcript NM_182925.5 (MANE Select); coding-DNA position 2414, A replaced by C.
Protein change: p.His805Pro; replaces histidine 805 with proline.
Molecular consequence: missense variant.
Genome position (GRCh38, 1-based): chr5:180,620,301, T>G on the plus strand (A>C on the coding strand, the complement: FLT4 is on the minus strand). VCF-style: chr5-180620301-T-G. GRCh37 (hg19) VCF-style: chr5-180047301-T-G.
Other names: KM484818; c.2414A>C, p.His805Pro (NM_001354989.2, NM_002020.5); short protein forms H805P.
Identifiers: ClinVar variation 204349 (VCV000204349.3), dbSNP rs796052106, ClinGen allele CA251288.

ClinVar aggregate classification (germline): Uncertain significance (0 of 4 stars; one submission).

Conditions:
Carcinoma of colon (CRC). Also called: Colonic carcinoma; Colon carcinoma. Identifiers: MedGen C0699790, MONDO:0002032.

Submission:

Immunobiology Lab; University of Kashmir
Classification: Uncertain significance for Carcinoma of colon. Last evaluated: 2015-01-24. Review status: no assertion criteria provided. Collection method: case-control. Allele origin: somatic. Affected: yes. Study: Mutational Hotspot profiling of Tyrosine Kinase domain of VEGF receptors in Human colorectal tumors.
Comment: The variation(s) were confirmed by double pass sequencing of PCR products amplified from genomic DNA of colonic lesions fron colorectal patients